The following is an entry in ClinVar:

ClinVar aggregate classification (germline): Likely pathogenic (1 of 4 stars; one submission).

Submission:

Labcorp Genetics (formerly Invitae), Labcorp
Classification: Likely pathogenic. Last evaluated: 2022-10-24. Review status: criteria provided, single submitter. Criteria: Invitae Variant Classification Sherloc (09022015). Collection method: clinical testing. Allele origin: germline.
Comment: In summary, the currently available evidence indicates that the variant is pathogenic, but additional data are needed to prove that conclusively. Therefore, this variant has been classified as Likely Pathogenic. This variant disrupts the p.Cys191 amino acid residue in CNGA3. Other variant(s) that disrupt this residue have been determined to be pathogenic (PMID: 11536077, 28559085; Invitae). This suggests that this residue is clinically significant, and that variants that disrupt this residue are likely to be disease-causing. Experimental studies have shown that this missense change affects CNGA3 function (PMID: 15980212). Advanced modeling of protein sequence and biophysical properties (such as structural, functional, and spatial information, amino acid conservation, physicochemical variation, residue mobility, and thermodynamic stability) performed at Invitae indicates that this missense variant is expected to disrupt CNGA3 protein function. This variant has not been reported in the literature in individuals affected with CNGA3-related conditions. This variant is present in population databases (rs761554853, gnomAD 0.003%). This sequence change replaces cysteine, which is neutral and slightly polar, with serine, which is neutral and polar, at codon 191 of the CNGA3 protein (p.Cys191Ser).

Literature cited by the submitters: PubMed 11536077; PubMed 28559085; PubMed 15980212.

NM_001298.3(CNGA3):c.572G>C (p.Cys191Ser)

Gene: CNGA3 (cyclic nucleotide gated channel subunit alpha 3; plus strand). Cytogenetic location: 2q11.2.
Variant type: single nucleotide variant.
Coding change: c.572G>C on transcript NM_001298.3 (MANE Select); coding-DNA position 572, G replaced by C.
Protein change: p.Cys191Ser; replaces cysteine 191 with serine.
Molecular consequence: missense variant.
Genome position (GRCh38, 1-based): chr2:98,391,869, G>C. VCF-style: chr2-98391869-G-C. GRCh37 (hg19) VCF-style: chr2-99008332-G-C.
Other names: c.518G>C, p.Cys173Ser (NM_001079878.2); short protein forms C173S, C191S.
Identifiers: ClinVar variation 2106289 (VCV002106289.4), dbSNP rs761554853, ClinGen allele CA1793816.